The following is an entry in ClinVar:

NM_003036.4(SKI):c.1114C>G (p.Pro372Ala)

Gene: SKI (SKI proto-oncogene; plus strand). Cytogenetic location: 1p36.32.
Variant type: single nucleotide variant.
Coding change: c.1114C>G on transcript NM_003036.4 (MANE Select); coding-DNA position 1114, C replaced by G.
Protein change: p.Pro372Ala; replaces proline 372 with alanine.
Molecular consequence: missense variant.
Genome position (GRCh38, 1-based): chr1:2,303,303, C>G. VCF-style: chr1-2303303-C-G. GRCh37 (hg19) VCF-style: chr1-2234742-C-G.
Other names: short protein forms P372A.
Identifiers: ClinVar variation 4799796 (VCV004799796.1).

ClinVar aggregate classification (germline): Uncertain significance (1 of 4 stars; one submission).

Conditions:
Shprintzen-Goldberg syndrome (SGS). Also called: Marfanoid disorder with craniosynostosis type 1; Marfanoid craniosynostosis syndrome; Shprintzen-Goldberg marfanoid syndrome; SHPRINTZEN-GOLDBERG CRANIOSYNOSTOSIS SYNDROME; CRANIOSYNOSTOSIS WITH ARACHNODACTYLY AND ABDOMINAL HERNIAS. Identifiers: Orphanet 2462, MedGen C1321551, MONDO:0008426, OMIM 182212.

gnomAD v4.1: 2 of 1,613,744 alleles (0.00012%); highest among the groups gnomAD compares: Non-Finnish European, 0.00017%; no homozygotes.

Submission:

Labcorp Genetics (formerly Invitae), Labcorp
Classification: Uncertain significance for Shprintzen-Goldberg syndrome. Last evaluated: 2025-03-29. Review status: criteria provided, single submitter. Criteria: Invitae Variant Classification Sherloc (09022015). Collection method: clinical testing. Allele origin: germline.
Comment: This sequence change replaces proline, which is neutral and non-polar, with alanine, which is neutral and non-polar, at codon 372 of the SKI protein (p.Pro372Ala). This variant is not present in population databases (gnomAD no frequency). This variant has not been reported in the literature in individuals affected with SKI-related conditions. Invitae Evidence Modeling of protein sequence and biophysical properties (such as structural, functional, and spatial information, amino acid conservation, physicochemical variation, residue mobility, and thermodynamic stability) indicates that this missense variant is not expected to disrupt SKI protein function with a negative predictive value of 95%. In summary, the available evidence is currently insufficient to determine the role of this variant in disease. Therefore, it has been classified as a Variant of Uncertain Significance.